The following is an entry in ClinVar:

ClinVar aggregate classification (germline): Uncertain significance (1 of 4 stars; one submission).

Submission:

Labcorp Genetics (formerly Invitae), Labcorp
Classification: Uncertain significance. Last evaluated: 2023-09-08. Review status: criteria provided, single submitter. Criteria: Invitae Variant Classification Sherloc (09022015). Collection method: clinical testing. Allele origin: germline.
Comment: In summary, the available evidence is currently insufficient to determine the role of this variant in disease. Therefore, it has been classified as a Variant of Uncertain Significance. Advanced modeling of protein sequence and biophysical properties (such as structural, functional, and spatial information, amino acid conservation, physicochemical variation, residue mobility, and thermodynamic stability) performed at Invitae indicates that this missense variant is expected to disrupt TCF12 protein function. This variant has not been reported in the literature in individuals affected with TCF12-related conditions. This variant is not present in population databases (gnomAD no frequency). This sequence change replaces isoleucine, which is neutral and non-polar, with phenylalanine, which is neutral and non-polar, at codon 643 of the TCF12 protein (p.Ile643Phe).

NM_207037.2(TCF12):c.1927A>T (p.Ile643Phe)

Gene: TCF12 (transcription factor 12; plus strand). Cytogenetic location: 15q21.3.
Variant type: single nucleotide variant.
Coding change: c.1927A>T on transcript NM_207037.2 (MANE Select); coding-DNA position 1927, A replaced by T.
Protein change: p.Ile643Phe; replaces isoleucine 643 with phenylalanine.
Molecular consequence: missense variant.
Genome position (GRCh38, 1-based): chr15:57,273,211, A>T. VCF-style: chr15-57273211-A-T. GRCh37 (hg19) VCF-style: chr15-57565409-A-T.
Other names: c.1681A>T, p.Ile561Phe (NM_001322158.2); c.1927A>T, p.Ile643Phe (NM_001322159.3, NM_001322162.2, NM_207036.2 and 1 more transcripts); c.1924A>T, p.Ile642Phe (NM_001322161.2, NM_001322152.2); c.1891A>T, p.Ile631Phe (NM_001322164.2); c.1855A>T, p.Ile619Phe (NM_001322165.2, NM_003205.4, NM_207038.2 and 1 more transcripts); c.1417A>T, p.Ile473Phe (NM_001306219.3); c.1147A>T, p.Ile383Phe (NM_001306220.3); c.1270A>T, p.Ile424Phe (NM_001322154.2); and 2 more; short protein forms I473F, I424F, I561F, I643F, I383F, I585F, I619F, I631F.
Identifiers: ClinVar variation 2752162 (VCV002752162.3), dbSNP rs2551501370, ClinGen allele CA392593068.